The following is an entry in ClinVar:

NM_001082486.1(ACD):c.182C>A (p.Pro61His)

Gene: ACD (ACD shelterin complex subunit and telomerase recruitment factor; minus strand). Cytogenetic location: 16q22.1.
Variant type: single nucleotide variant.
Coding change: c.182C>A on transcript NM_001082486.1; coding-DNA position 182, C replaced by A.
Protein change: p.Pro61His; replaces proline 61 with histidine.
Genome position (GRCh38, 1-based): chr16:67,660,297, G>T on the plus strand (C>A on the coding strand, the complement: ACD is on the minus strand). VCF-style: chr16-67660297-G-T. GRCh37 (hg19) VCF-style: chr16-67694200-G-T.
Other names: short protein forms P61H.
Identifiers: ClinVar variation 2452444 (VCV002452444.2), dbSNP rs1179431836, ClinGen allele CA396359487.

ClinVar aggregate classification (germline): Uncertain significance (1 of 4 stars; one submission).

Conditions:
Inborn genetic diseases. Identifiers: MedGen C0950123, MeSH D030342.

Submission:

Ambry Genetics
Classification: Uncertain significance for Inborn genetic diseases. Last evaluated: 2022-12-22. Review status: criteria provided, single submitter. Criteria: Ambry Variant Classification Scheme 2023. Collection method: clinical testing. Allele origin: germline.
Comment: The p.P61H variant (also known as c.182C>A), located in coding exon 1 of the ACD gene, results from a C to A substitution at nucleotide position 182. The proline at codon 61 is replaced by histidine, an amino acid with similar properties. This amino acid position is conserved. In addition, this alteration is predicted to be tolerated by in silico analysis. Since supporting evidence is limited at this time, the clinical significance of this alteration remains unclear.